The following is an entry in ClinVar:

NM_001098.3(ACO2):c.1835dup (p.Asn612fs)

Genes: ACO2 (aconitase 2; plus strand), POLR3H (RNA polymerase III subunit H; minus strand). Cytogenetic location: 22q13.2.
Variant type: Duplication.
Coding change: c.1835dup on transcript NM_001098.3 (MANE Select); coding-DNA position 1835, one base duplicated (A; older notation c.1835dupA).
Protein change: p.Asn612fs; shifts the reading frame from asparagine 612.
Molecular consequence: frameshift variant. On other transcripts: 3 prime UTR variant (5).
Genome position (GRCh38, 1-based): chr22:41,526,335, A duplicated; the last of 2 consecutive A bases (chr22:41,526,334-41,526,335); duplicating either gives the same sequence. VCF-style (leftmost placement, unchanged base first): chr22-41526333-T-TA. GRCh37 (hg19) VCF-style: chr22-41922337-T-TA.
Other names: c.*2949dup (NM_001018050.4, NM_001018052.4, NM_001282884.2 and 2 more transcripts); short protein forms N612fs.
Identifiers: ClinVar variation 1390490 (VCV001390490.6), dbSNP rs2146144344, ClinGen allele CA2573158221.

ClinVar aggregate classification (germline): Pathogenic (1 of 4 stars; one submission).

Submission:

Labcorp Genetics (formerly Invitae), Labcorp
Classification: Pathogenic. Last evaluated: 2022-08-31. Review status: criteria provided, single submitter. Criteria: Invitae Variant Classification Sherloc (09022015). Collection method: clinical testing. Allele origin: germline.
Comment: ClinVar contains an entry for this variant (Variation ID: 1390490). This variant has not been reported in the literature in individuals affected with ACO2-related conditions. This variant is not present in population databases (gnomAD no frequency). For these reasons, this variant has been classified as Pathogenic. This sequence change creates a premature translational stop signal (p.Asn612Lysfs*14) in the ACO2 gene. It is expected to result in an absent or disrupted protein product. Loss-of-function variants in ACO2 are known to be pathogenic (PMID: 30689204, 32519519).

Literature cited by the submitters: PubMed 30689204; PubMed 32519519.